The following is an entry in ClinVar:

ClinVar aggregate classification (germline): Uncertain significance. Review status: criteria provided, multiple submitters, no conflicts (2 of 4 stars). 2 submissions from 2 submitters: Uncertain significance (2). Last evaluated 2024-06-03.

Conditions:
Keratitis fugax hereditaria. Also called: KERATOENDOTHELIITIS FUGAX HEREDITARIA. Identifiers: Orphanet 647815, MedGen C1835697, MONDO:0007849, OMIM 148200.
Hearing loss, autosomal dominant 34, with or without inflammation. Also called: DEAFNESS, AUTOSOMAL DOMINANT 34, WITH OR WITHOUT INFLAMMATION. Identifiers: MedGen C4521680, MONDO:0033261, OMIM 617772.
Chronic infantile neurological, cutaneous and articular syndrome (CINCA). Also called: Prieur Griscelli syndrome; CRYOPYRIN-ASSOCIATED PERIODIC SYNDROME 3; CINCA syndrome; CHRONIC NEUROLOGIC CUTANEOUS AND ARTICULAR SYNDROME. Identifiers: Orphanet 1451, MedGen C0409818, MONDO:0011776, OMIM 607115.
Familial amyloid nephropathy with urticaria AND deafness (MWS). Also called: MUCKLE-WELLS SYNDROME; Urticaria, deafness and amyloidosis; CRYOPYRIN-ASSOCIATED PERIODIC SYNDROME 2; UDA SYNDROME; URTICARIA-DEAFNESS-AMYLOIDOSIS SYNDROME. Identifiers: Orphanet 575, MedGen C0268390, MONDO:0008633, OMIM 191900.
Familial cold autoinflammatory syndrome 1 (FCAS1). Also called: CRYOPYRIN-ASSOCIATED PERIODIC SYNDROME 1; Familial cold inflammatory syndrome 1. Identifiers: Orphanet 47045, MedGen C4551895, MONDO:0007349, OMIM 120100.
Cryopyrin associated periodic syndrome (CAPS). Identifiers: Orphanet 208650, MedGen C2316212, MONDO:0016168.

Allele frequency attached by ClinVar (database versions not stated): TOPMed below 0.00001.

Submissions (2):

Fulgent Genetics
Classification: Uncertain significance for Familial cold autoinflammatory syndrome 1; Keratitis fugax hereditaria; Familial amyloid nephropathy with urticaria AND deafness; Chronic infantile neurological, cutaneous and articular syndrome; Hearing loss, autosomal dominant 34, with or without inflammation. Last evaluated: 2024-06-03. Review status: criteria provided, single submitter. Criteria: ACMG Guidelines, 2015. Collection method: clinical testing. Allele origin: germline.

Labcorp Genetics (formerly Invitae), Labcorp
Classification: Uncertain significance for Cryopyrin associated periodic syndrome. Last evaluated: 2022-12-21. Review status: criteria provided, single submitter. Criteria: Invitae Variant Classification Sherloc (09022015). Collection method: clinical testing. Allele origin: germline.
Comment: This sequence change replaces valine, which is neutral and non-polar, with glutamic acid, which is acidic and polar, at codon 584 of the NLRP3 protein (p.Val584Glu). This variant is not present in population databases (gnomAD no frequency). This variant has not been reported in the literature in individuals affected with NLRP3-related conditions. Algorithms developed to predict the effect of missense changes on protein structure and function (SIFT, PolyPhen-2, Align-GVGD) all suggest that this variant is likely to be disruptive. In summary, the available evidence is currently insufficient to determine the role of this variant in disease. Therefore, it has been classified as a Variant of Uncertain Significance.

NM_001243133.2(NLRP3):c.1745T>A (p.Val582Glu)

Gene: NLRP3 (NLR family pyrin domain containing 3; plus strand). Cytogenetic location: 1q44.
Variant type: single nucleotide variant.
Coding change: c.1745T>A on transcript NM_001243133.2 (MANE Select); coding-DNA position 1745, T replaced by A.
Protein change: p.Val582Glu; replaces valine 582 with glutamic acid.
Molecular consequence: missense variant.
Genome position (GRCh38, 1-based): chr1:247,425,194, T>A. VCF-style: chr1-247425194-T-A. GRCh37 (hg19) VCF-style: chr1-247588496-T-A.
Other names: c.1745T>A, p.Val582Glu (NM_001079821.3, NM_001127461.3, NM_001127462.3 and 1 more transcripts); c.1751T>A, p.Val584Glu (NM_004895.5); short protein forms V584E, V582E.
Identifiers: ClinVar variation 2868208 (VCV002868208.4), dbSNP rs1662780194, ClinGen allele CA345557714.
Genomic context (GRCh38, chr1:247,425,194, plus strand): 5'-ACTATGGCAAATTCGAAAAGGGGTATTTGATTTTTGTTGTACGTTTCCTCTTTGGCCTGG[T>A]AAACCAGGAGAGGACCTCCTACTTGGAGAAGAAATTAAGTTGCAAGATCTCTCAGCAAAT-3'
Protein context (NP_001230062.1, residues 572-592): IFVVRFLFGL[Val582Glu]NQERTSYLEK